The following is an entry in ClinVar:

ClinVar aggregate classification (germline): Uncertain significance (1 of 4 stars; one submission).

Allele frequency attached by ClinVar (database versions not stated): TOPMed below 0.00001; gnomAD 0.00001; gnomAD exomes 0.00001; ExAC 0.00002.
gnomAD v4.1: 9 of 1,613,986 alleles (0.00056%); highest among the groups gnomAD compares: South Asian, 0.0011%; no homozygotes.

Submission:

Labcorp Genetics (formerly Invitae), Labcorp
Classification: Uncertain significance. Last evaluated: 2021-12-28. Review status: criteria provided, single submitter. Criteria: Invitae Variant Classification Sherloc (09022015). Collection method: clinical testing. Allele origin: germline.
Comment: This sequence change replaces tyrosine, which is neutral and polar, with cysteine, which is neutral and slightly polar, at codon 471 of the ATRN protein (p.Tyr471Cys). This variant is present in population databases (rs777701596, gnomAD 0.006%). This variant has not been reported in the literature in individuals affected with ATRN-related conditions. Algorithms developed to predict the effect of missense changes on protein structure and function are either unavailable or do not agree on the potential impact of this missense change (SIFT: "Deleterious"; PolyPhen-2: "Probably Damaging"; Align-GVGD: "Class C0"). In summary, the available evidence is currently insufficient to determine the role of this variant in disease. Therefore, it has been classified as a Variant of Uncertain Significance.

NM_139321.3(ATRN):c.1412A>G (p.Tyr471Cys)

Gene: ATRN (attractin; plus strand). Cytogenetic location: 20p13.
Variant type: single nucleotide variant.
Coding change: c.1412A>G on transcript NM_139321.3 (MANE Select); coding-DNA position 1412, A replaced by G.
Protein change: p.Tyr471Cys; replaces tyrosine 471 with cysteine.
Molecular consequence: missense variant.
Genome position (GRCh38, 1-based): chr20:3,560,870, A>G. VCF-style: chr20-3560870-A-G. GRCh37 (hg19) VCF-style: chr20-3541517-A-G.
Other names: c.1064A>G, p.Tyr355Cys (NM_001207047.3); c.1412A>G, p.Tyr471Cys (NM_001323332.2, NM_139322.4); short protein forms Y355C, Y471C.
Identifiers: ClinVar variation 2063975 (VCV002063975.4), dbSNP rs777701596, ClinGen allele CA9744041.